The following is an entry in ClinVar:

ClinVar aggregate classification (germline): Conflicting classifications of pathogenicity. Review status: criteria provided, conflicting classifications (1 of 4 stars). 9 submissions from 9 submitters: Uncertain significance (1); Benign (4); Likely benign (3). 1 of the submissions does not count toward it. Last evaluated 2026-03-01.

Conditions:
ABHD12-related disorder. Also called: ABHD12-related condition.

Allele frequency attached by ClinVar (database versions not stated): gnomAD exomes 0.00012 and 0.00042; ExAC 0.00044; gnomAD 0.00136 and 0.00147; 1000 Genomes Project 30x 0.00156; TOPMed 0.00159; ESP Exome Variant Server 0.00169; 1000 Genomes Project 0.00180.
gnomAD v4.1: 395 of 1,613,774 alleles (0.024%); highest among the groups gnomAD compares: African/African-American, 0.44%; 2 homozygotes.

Submissions (9):

CeGaT Center for Human Genetics Tuebingen
Classification: Likely benign. Last evaluated: 2026-03-01. Review status: criteria provided, single submitter. Criteria: CeGaT Center For Human Genetics Tuebingen Variant Classification Criteria Version 2. Collection method: clinical testing. Allele origin: germline. Affected: yes. Observed: 1 variant allele.
Comment: ABHD12: BP4, BP7

Labcorp Genetics (formerly Invitae), Labcorp
Classification: Benign. Last evaluated: 2025-12-22. Review status: criteria provided, single submitter. Criteria: Invitae Variant Classification Sherloc (09022015). Collection method: clinical testing. Allele origin: germline.

Women's Health and Genetics/Laboratory Corporation of America, LabCorp
Classification: Likely benign. Last evaluated: 2025-01-14. Review status: criteria provided, single submitter. Criteria: LabCorp Variant Classification Summary - May 2015. Collection method: clinical testing. Allele origin: germline.

Blueprint Genetics
Classification: Likely benign. Last evaluated: 2024-08-15. Review status: criteria provided, single submitter. Criteria: ACMG Guidelines, 2015. Collection method: clinical testing. Allele origin: germline.

Mayo Clinic Laboratories, Mayo Clinic
Classification: Benign. Last evaluated: 2024-05-02. Review status: criteria provided, single submitter. Criteria: ACMG Guidelines, 2015. Collection method: clinical testing. Allele origin: germline. Observed: 3 variant alleles.
Comment: BA1, BP4, BP7

GeneDx
Classification: Benign. Last evaluated: 2019-07-12. Review status: criteria provided, single submitter. Criteria: GeneDx Variant Classification Process June 2021. Collection method: clinical testing. Allele origin: germline. Affected: yes.

Athena Diagnostics
Classification: Benign. Last evaluated: 2018-11-12. Review status: criteria provided, single submitter. Criteria: Athena Diagnostics Criteria. Collection method: clinical testing. Allele origin: germline.

Eurofins Ntd Llc (ga)
Classification: Uncertain significance. Last evaluated: 2016-05-26. Review status: criteria provided, single submitter. Criteria: EGL Classification Definitions 2015. Collection method: clinical testing. Allele origin: germline. Observed: 2 variant alleles, 2 heterozygotes.

PreventionGenetics, part of Exact Sciences
Classification: Likely benign for ABHD12-related condition. Last evaluated: 2019-11-20. Review status: no assertion criteria provided. Collection method: clinical testing. Allele origin: germline. Not counted in ClinVar's aggregate classification.
Comment: This variant is classified as likely benign based on ACMG/AMP sequence variant interpretation guidelines (Richards et al. 2015 PMID: 25741868, with internal and published modifications).

NM_001042472.3(ABHD12):c.1113G>A (p.Arg371=)

Gene: ABHD12 (abhydrolase domain containing 12, lysophospholipase; minus strand). Cytogenetic location: 20p11.21.
Variant type: single nucleotide variant.
Coding change: c.1113G>A on transcript NM_001042472.3 (MANE Select); coding-DNA position 1113, G replaced by A.
Protein change: p.Arg371=; no amino-acid change (arginine 371 retained).
Molecular consequence: synonymous variant.
Genome position (GRCh38, 1-based): chr20:25,302,263, C>T on the plus strand (G>A on the coding strand, the complement: ABHD12 is on the minus strand). VCF-style: chr20-25302263-C-T. GRCh37 (hg19) VCF-style: chr20-25282899-C-T.
Other names: p.Arg371=; c.1113G>A, p.Arg371= (NM_015600.5).
Identifiers: ClinVar variation 194016 (VCV000194016.28), dbSNP rs146028040, ClinGen allele CA239788.